The following is an entry in ClinVar:

ClinVar aggregate classification (germline): Uncertain significance (1 of 4 stars; one submission).

Conditions:
Infantile-onset ascending hereditary spastic paralysis (IAHSP). Also called: Infantile-Onset Ascending Hereditary Spastic Paralysis (IAHSP); Autosomal Recessive Juvenile Amyotrophic Lateral Sclerosis. Identifiers: Orphanet 293168, MedGen C2931441, MONDO:0011797, OMIM 607225. Disease mechanism: loss of function.

Submission:

Labcorp Genetics (formerly Invitae), Labcorp
Classification: Uncertain significance for Infantile-onset ascending hereditary spastic paralysis. Last evaluated: 2022-03-18. Review status: criteria provided, single submitter. Criteria: Invitae Variant Classification Sherloc (09022015). Collection method: clinical testing. Allele origin: germline.
Comment: This sequence change replaces proline, which is neutral and non-polar, with threonine, which is neutral and polar, at codon 1016 of the ALS2 protein (p.Pro1016Thr). This variant is present in population databases (rs41308840, gnomAD 0.003%). This missense change has been observed in individual(s) with amyotrophic lateral sclerosis (PMID: 18852346). Algorithms developed to predict the effect of missense changes on protein structure and function (SIFT, PolyPhen-2, Align-GVGD) all suggest that this variant is likely to be tolerated. In summary, the available evidence is currently insufficient to determine the role of this variant in disease. Therefore, it has been classified as a Variant of Uncertain Significance.

Literature cited by the submitters: PubMed 18852346.

NM_020919.4(ALS2):c.3046C>A (p.Pro1016Thr)

Gene: ALS2 (alsin Rho guanine nucleotide exchange factor ALS2; minus strand). Cytogenetic location: 2q33.1.
Variant type: single nucleotide variant.
Coding change: c.3046C>A on transcript NM_020919.4 (MANE Select); coding-DNA position 3046, C replaced by A.
Protein change: p.Pro1016Thr; replaces proline 1016 with threonine.
Molecular consequence: missense variant.
Genome position (GRCh38, 1-based): chr2:201,726,800, G>T on the plus strand (C>A on the coding strand, the complement: ALS2 is on the minus strand). VCF-style: chr2-201726800-G-T. GRCh37 (hg19) VCF-style: chr2-202591523-G-T.
Other names: c.3046C>A, p.Pro1016Thr (NM_001410975.1); short protein forms P1016T.
Identifiers: ClinVar variation 2058149 (VCV002058149.1), dbSNP rs41308840, ClinGen allele CA2057995.